The following is an entry in ClinVar:

ClinVar aggregate classification (germline): Likely pathogenic. Review status: criteria provided, multiple submitters, no conflicts (2 of 4 stars). 2 submissions from 2 submitters: Likely pathogenic (2). Last evaluated 2024-09-12.

Conditions:
Cardiovascular phenotype. Identifiers: MedGen CN230736.
Long QT syndrome (LQTS). Identifiers: MedGen C0023976, MeSH D008133, MONDO:0002442. Disease mechanism: loss of function. Inheritance: Various modes of inheritance.

Submissions (2):

Labcorp Genetics (formerly Invitae), Labcorp
Classification: Likely pathogenic for Long QT syndrome. Last evaluated: 2024-09-12. Review status: criteria provided, single submitter. Criteria: Invitae Variant Classification Sherloc (09022015). Collection method: clinical testing. Allele origin: germline.
Comment: This variant, c.2317_2319del, results in the deletion of 1 amino acid(s) of the CACNA1C protein (p.Lys773del), but otherwise preserves the integrity of the reading frame. This variant is not present in population databases (gnomAD no frequency). This variant has been observed in individual(s) with clinical features of CACNA1C-related conditions (internal data). In at least one individual the variant was observed to be de novo. ClinVar contains an entry for this variant (Variation ID: 411734). Experimental studies and prediction algorithms are not available or were not evaluated, and the functional significance of this variant is currently unknown. In summary, the currently available evidence indicates that the variant is pathogenic, but additional data are needed to prove that conclusively. Therefore, this variant has been classified as Likely Pathogenic.

Ambry Genetics
Classification: Likely pathogenic for Cardiovascular phenotype. Last evaluated: 2024-07-12. Review status: criteria provided, single submitter. Criteria: Ambry Variant Classification Scheme 2023. Collection method: clinical testing. Allele origin: germline.
Comment: The c.2317_2319delAAG variant (also known as p.K773del) is located in coding exon 16 of the CACNA1C gene. This variant results from an in-frame AAG deletion at nucleotide positions 2317 to 2319. This results in the in-frame deletion of a lysine at codon 773. This variant is considered to be rare based on population cohorts in the Genome Aggregation Database (gnomAD). This amino acid position is highly conserved in available vertebrate species. In addition, this alteration is predicted to be deleterious by in silico analysis (Choi Y et al. PLoS ONE. 2012; 7(10):e46688). Based on the majority of available evidence to date, this variant is likely to be pathogenic for CACNA1C-related long QT syndrome/Timothy syndrome; however, its clinical significance for CACNA1C-related neurodevelopmental disorder is uncertain.

NM_000719.7(CACNA1C):c.2317_2319del (p.Lys773del)

Gene: CACNA1C (calcium voltage-gated channel subunit alpha1 C; plus strand). Cytogenetic location: 12p13.33.
Variant type: Deletion.
Coding change: c.2317_2319del on transcript NM_000719.7 (MANE Select); coding-DNA positions 2317 to 2319, 3 bases deleted (AAG; older notation c.2317_2319delAAG).
Protein change: p.Lys773del; deletes lysine 773.
Molecular consequence: inframe deletion.
Genome position (GRCh38, 1-based): chr12:2,584,595-2,584,597, AAG deleted; deleting any 3 consecutive bases within chr12:2,584,593-2,584,597 gives the same sequence; the c. name uses the placement nearest the transcript's 3' end. VCF-style (leftmost placement, unchanged base first): chr12-2584592-GAGA-G. GRCh37 (hg19) VCF-style: chr12-2693758-GAGA-G.
Other names: c.2317_2319del (NM_000719.6); c.2317_2319del, p.Lys773del (NM_001129827.2, NM_001129829.2, NM_001129830.3 and 18 more transcripts); c.2308_2310del, p.Lys770del (NM_001129844.2); short protein forms K773del, K770del.
Identifiers: ClinVar variation 411734 (VCV000411734.14), dbSNP rs786205771, ClinGen allele CA301672.